The following is an entry in ClinVar:

NM_000370.3(TTPA):c.513C>T (p.Ile171=)

Gene: TTPA (alpha tocopherol transfer protein; minus strand). Cytogenetic location: 8q12.3.
Variant type: single nucleotide variant.
Coding change: c.513C>T on transcript NM_000370.3 (MANE Select); coding-DNA position 513, C replaced by T.
Protein change: p.Ile171=; no amino-acid change (isoleucine 171 retained).
Molecular consequence: synonymous variant.
Genome position (GRCh38, 1-based): chr8:63,065,943, G>A on the plus strand (C>T on the coding strand, the complement: TTPA is on the minus strand). VCF-style: chr8-63065943-G-A. GRCh37 (hg19) VCF-style: chr8-63978502-G-A.
Identifiers: ClinVar variation 1161987 (VCV001161987.10), dbSNP rs898038340, ClinGen allele CA178384775.

ClinVar aggregate classification (germline): Likely benign. Review status: criteria provided, multiple submitters, no conflicts (2 of 4 stars). 2 submissions from 2 submitters: Likely benign (2). Last evaluated 2025-10-01.

Allele frequency attached by ClinVar (database versions not stated): gnomAD 0.00001; gnomAD exomes 0.00001.
gnomAD v4.1: 10 of 1,613,906 alleles (0.00062%); highest among the groups gnomAD compares: African/African-American, 0.0013%; no homozygotes.

Submissions (2):

Labcorp Genetics (formerly Invitae), Labcorp
Classification: Likely benign. Last evaluated: 2025-10-01. Review status: criteria provided, single submitter. Criteria: Invitae Variant Classification Sherloc (09022015). Collection method: clinical testing. Allele origin: germline.

Athena Diagnostics
Classification: Likely benign. Last evaluated: 2024-12-17. Review status: criteria provided, single submitter. Criteria: Athena Diagnostics Criteria. Collection method: clinical testing. Allele origin: unknown.
Comment: Computational tools yielded predictions that this variant is unlikely to have an effect on normal RNA splicing. This nucleotide position exhibits low evolutionary conservation.

Literature cited by the submitters: PubMed 26551670 (cited by Athena Diagnostics).